The following is an entry in ClinVar:

NM_000044.6(AR):c.1687T>C (p.Cys563Arg)

Gene: AR (androgen receptor; plus strand). Cytogenetic location: Xq12.
Variant type: single nucleotide variant.
Coding change: c.1687T>C on transcript NM_000044.6 (MANE Select); coding-DNA position 1687, T replaced by C.
Protein change: p.Cys563Arg; replaces cysteine 563 with arginine.
Molecular consequence: missense variant. On other transcripts: intron variant (1).
Genome position (GRCh38, 1-based): chrX:67,643,326, T>C. VCF-style: chrX-67643326-T-C. GRCh37 (hg19) VCF-style: chrX-66863168-T-C.
Other names: c.91T>C, p.Cys31Arg (NM_001011645.3); c.1687T>C, p.Cys563Arg (NM_001348061.1, NM_001348063.1); c.1617-42615T>C (NM_001348064.1); short protein forms C31R, C563R.
Identifiers: ClinVar variation 2032907 (VCV002032907.4), dbSNP rs2147436262, ClinGen allele CA413422750.
Genomic context (GRCh38, chrX:67,643,326, plus strand): 5'-GCCAGGGACCATGTTTTGCCCATTGACTATTACTTTCCACCCCAGAAGACCTGCCTGATC[T>C]GTGGAGATGAAGCTTCTGGGTGTCACTATGGAGCTCTCACATGTGGAAGCTGCAAGGTCT-3'
Protein context (NP_000035.2, residues 553-573): YFPPQKTCLI[Cys563Arg]GDEASGCHYG

ClinVar aggregate classification (germline): Uncertain significance (1 of 4 stars; one submission).

Conditions:
Androgen resistance syndrome (AIS). Also called: ANDROGEN RECEPTOR DEFICIENCY; DIHYDROTESTOSTERONE RECEPTOR DEFICIENCY; TESTICULAR FEMINIZATION SYNDROME; Androgen insensitivity syndrome due to coactivator deficiency; Androgen insensitivity syndrome; Androgen insensitivity. Identifiers: Orphanet 754, Orphanet 99429, MedGen C0039585, MONDO:0019154, OMIM 300068. Disease mechanism: loss of function.
Kennedy disease (SMAX1). Also called: SPINAL AND BULBAR MUSCULAR ATROPHY, X-LINKED 1; KENNEDY SPINAL AND BULBAR MUSCULAR ATROPHY; Spinal and Bulbar Muscular Atrophy. Identifiers: Orphanet 481, MedGen C1839259, MONDO:0010735, OMIM 313200.

Submission:

Labcorp Genetics (formerly Invitae), Labcorp
Classification: Uncertain significance for Kennedy disease; Androgen resistance syndrome. Last evaluated: 2022-09-27. Review status: criteria provided, single submitter. Criteria: Invitae Variant Classification Sherloc (09022015). Collection method: clinical testing. Allele origin: germline.
Comment: This sequence change replaces cysteine, which is neutral and slightly polar, with arginine, which is basic and polar, at codon 563 of the AR protein (p.Cys563Arg). This variant is not present in population databases (gnomAD no frequency). This missense change has been observed in individual(s) with clinical features of AR-related conditions (Invitae). Advanced modeling of protein sequence and biophysical properties (such as structural, functional, and spatial information, amino acid conservation, physicochemical variation, residue mobility, and thermodynamic stability) has been performed at Invitae for this missense variant, however the output from this modeling did not meet the statistical confidence thresholds required to predict the impact of this variant on AR protein function. This variant disrupts the p.Cys563 amino acid residue in AR. Other variant(s) that disrupt this residue have been observed in individuals with AR-related conditions (PMID: 16470553), which suggests that this may be a clinically significant amino acid residue. In summary, the available evidence is currently insufficient to determine the role of this variant in disease. Therefore, it has been classified as a Variant of Uncertain Significance.

Literature cited by the submitters: PubMed 16470553.